The following is an entry in ClinVar:

NM_021625.5(TRPV4):c.2077G>A (p.Val693Met)

Gene: TRPV4 (transient receptor potential cation channel subfamily V member 4; minus strand). Cytogenetic location: 12q24.11.
Variant type: single nucleotide variant.
Coding change: c.2077G>A on transcript NM_021625.5 (MANE Select); coding-DNA position 2077, G replaced by A.
Protein change: p.Val693Met; replaces valine 693 with methionine.
Molecular consequence: missense variant.
Genome position (GRCh38, 1-based): chr12:109,788,531, C>T on the plus strand (G>A on the coding strand, the complement: TRPV4 is on the minus strand). VCF-style: chr12-109788531-C-T. GRCh37 (hg19) VCF-style: chr12-110226336-C-T.
Other names: c.1936G>A, p.Val646Met (NM_001177428.2); c.1975G>A, p.Val659Met (NM_001177431.2); c.1756G>A, p.Val586Met (NM_001177433.2); c.1897G>A, p.Val633Met (NM_147204.3); short protein forms V659M, V586M, V693M, V633M, V646M.
Identifiers: ClinVar variation 663611 (VCV000663611.7), dbSNP rs761952727, ClinGen allele CA6780025.

ClinVar aggregate classification (germline): Uncertain significance (1 of 4 stars; one submission).

Conditions:
Charcot-Marie-Tooth disease axonal type 2C (HMSN2C). Also called: CHARCOT-MARIE-TOOTH DISEASE, AXONAL, AUTOSOMAL DOMINANT, TYPE 2C; Charcot-Marie-Tooth Neuropathy Type 2C; Charcot-Marie-Tooth Disease Type 2, TRPV4-Related (CMT2C). Identifiers: Orphanet 99937, MedGen C1853710, MONDO:0011633, OMIM 606071.

Allele frequency attached by ClinVar (database versions not stated): gnomAD exomes below 0.00001 and 0.00001; ExAC 0.00001; gnomAD 0.00001; TOPMed 0.00001.
gnomAD v4.1: 16 of 1,614,088 alleles (0.00099%); highest among the groups gnomAD compares: East Asian, 0.02%; no homozygotes.

Submission:

Labcorp Genetics (formerly Invitae), Labcorp
Classification: Uncertain significance for Charcot-Marie-Tooth disease axonal type 2C. Last evaluated: 2025-05-26. Review status: criteria provided, single submitter. Criteria: Invitae Variant Classification Sherloc (09022015). Collection method: clinical testing. Allele origin: germline.
Comment: This sequence change replaces valine, which is neutral and non-polar, with methionine, which is neutral and non-polar, at codon 693 of the TRPV4 protein (p.Val693Met). This variant is present in population databases (rs761952727, gnomAD 0.007%). This variant has not been reported in the literature in individuals affected with TRPV4-related conditions. ClinVar contains an entry for this variant (Variation ID: 663611). Invitae Evidence Modeling of protein sequence and biophysical properties (such as structural, functional, and spatial information, amino acid conservation, physicochemical variation, residue mobility, and thermodynamic stability) has been performed for this missense variant. However, the output from this modeling did not meet the statistical confidence thresholds required to predict the impact of this variant on TRPV4 protein function. In summary, the available evidence is currently insufficient to determine the role of this variant in disease. Therefore, it has been classified as a Variant of Uncertain Significance.